The following is an entry in ClinVar:

ClinVar aggregate classification (germline): Uncertain significance (1 of 4 stars; one submission).

Submission:

GeneDx
Classification: Uncertain significance. Last evaluated: 2026-05-28. Review status: criteria provided, single submitter. Criteria: GeneDx Variant Classification Process June 2021. Collection method: clinical testing. Allele origin: germline.
Comment: Not observed at significant frequency in large population cohorts (gnomAD); In silico analysis supports that this missense variant has a deleterious effect on protein structure/function; In silico analysis suggests that this missense variant does not alter protein structure/function, but splice predictors indicate that the variant may lead to abnormal gene splicing; Has not been previously published as pathogenic or benign to our knowledge

NM_182931.3(KMT2E):c.3304A>G (p.Ser1102Gly)

Gene: KMT2E (lysine methyltransferase 2E (inactive); plus strand). Cytogenetic location: 7q22.3.
Variant type: single nucleotide variant.
Coding change: c.3304A>G on transcript NM_182931.3 (MANE Select); coding-DNA position 3304, A replaced by G.
Protein change: p.Ser1102Gly; replaces serine 1102 with glycine.
Molecular consequence: missense variant.
Genome position (GRCh38, 1-based): chr7:105,107,761, A>G. VCF-style: chr7-105107761-A-G. GRCh37 (hg19) VCF-style: chr7-104748208-A-G.
Other names: c.3304A>G, p.Ser1102Gly (NM_001410908.1, NM_018682.4); short protein forms S1102G.
Identifiers: ClinVar variation 3368272 (VCV003368272.2).
Genomic context (GRCh38, chr7:105,107,761, plus strand): 5'-TCCAACTTGAGGGACCTGACACCCTCGCATCAGTTGGAGGTTGGAGGAGGCTTCCGAATA[A>G]GTGAGTCAAAGTGCCTGATGCAGGATGATACTAGAGGCATGTTTATGGAAACAACTGTGT-3'
Protein context (NP_891847.1, residues 1092-1112): QLEVGGGFRI[Ser1102Gly]ESKCLMQDDT